The following is an entry in ClinVar:

ClinVar aggregate classification (germline): Uncertain significance (1 of 4 stars; one submission).

Submission:

Ambry Genetics
Classification: Uncertain significance. Last evaluated: 2022-12-17. Review status: criteria provided, single submitter. Criteria: Ambry Variant Classification Scheme 2023. Collection method: clinical testing. Allele origin: germline.
Comment: The p.D283V variant (also known as c.848A>T), located in coding exon 3 of the TERF2IP gene, results from an A to T substitution at nucleotide position 848. The aspartic acid at codon 283 is replaced by valine, an amino acid with highly dissimilar properties. This amino acid position is conserved. In addition, this alteration is predicted to be tolerated by in silico analysis. Since supporting evidence is limited at this time, the clinical significance of this alteration remains unclear.

NM_018975.4(TERF2IP):c.848A>T (p.Asp283Val)

Gene: TERF2IP (TERF2 interacting protein; plus strand). Cytogenetic location: 16q23.1.
Variant type: single nucleotide variant.
Coding change: c.848A>T on transcript NM_018975.4 (MANE Select); coding-DNA position 848, A replaced by T.
Protein change: p.Asp283Val; replaces aspartic acid 283 with valine.
Molecular consequence: missense variant. On other transcripts: non-coding transcript variant (1).
Genome position (GRCh38, 1-based): chr16:75,656,259, A>T. VCF-style: chr16-75656259-A-T. GRCh37 (hg19) VCF-style: chr16-75690157-A-T.
Other names: short protein forms D283V.
Identifiers: ClinVar variation 2448529 (VCV002448529.2), dbSNP rs2507089244, ClinGen allele CA396819716.